The following is an entry in ClinVar:

NM_199355.4(ADAMTS18):c.1492C>T (p.Pro498Ser)

Gene: ADAMTS18 (ADAM metallopeptidase with thrombospondin type 1 motif 18; minus strand). Cytogenetic location: 16q23.1.
Variant type: single nucleotide variant.
Coding change: c.1492C>T on transcript NM_199355.4 (MANE Select); coding-DNA position 1492, C replaced by T.
Protein change: p.Pro498Ser; replaces proline 498 with serine.
Molecular consequence: missense variant.
Genome position (GRCh38, 1-based): chr16:77,353,855, G>A on the plus strand (C>T on the coding strand, the complement: ADAMTS18 is on the minus strand). VCF-style: chr16-77353855-G-A. GRCh37 (hg19) VCF-style: chr16-77387752-G-A.
Other names: c.976C>T, p.Pro326Ser (NM_001326358.2); short protein forms P326S, P498S.
Identifiers: ClinVar variation 1440449 (VCV001440449.4), dbSNP rs775384953, ClinGen allele CA8181293.
Genomic context (GRCh38, chr16:77,353,855, plus strand): 5'-CAGCATCATAAATCTGTCCTGGTAGTTTGTCCGGATATTTATACTGTCCTGCTTGCTTGG[G>A]CTCATCCACTAGACACCCCGCCTGAGGTGTGCTGTAATGACAATACATGCTTATTAATTA-3'
Protein context (NP_955387.1, residues 488-508): TPQAGCLVDE[Pro498Ser]KQAGQYKYPD

ClinVar aggregate classification (germline): Uncertain significance (1 of 4 stars; one submission).

Submission:

Labcorp Genetics (formerly Invitae), Labcorp
Classification: Uncertain significance. Last evaluated: 2022-07-20. Review status: criteria provided, single submitter. Criteria: Invitae Variant Classification Sherloc (09022015). Collection method: clinical testing. Allele origin: germline.
Comment: This sequence change replaces proline, which is neutral and non-polar, with serine, which is neutral and polar, at codon 498 of the ADAMTS18 protein (p.Pro498Ser). This variant is present in population databases (rs775384953, gnomAD 0.003%). This variant has not been reported in the literature in individuals affected with ADAMTS18-related conditions. ClinVar contains an entry for this variant (Variation ID: 1440449). Algorithms developed to predict the effect of missense changes on protein structure and function are either unavailable or do not agree on the potential impact of this missense change (SIFT: "Not Available"; PolyPhen-2: "Probably Damaging"; Align-GVGD: "Not Available"). In summary, the available evidence is currently insufficient to determine the role of this variant in disease. Therefore, it has been classified as a Variant of Uncertain Significance.